The following is an entry in ClinVar:

NM_002133.3(HMOX1):c.356A>G (p.His119Arg)

Gene: HMOX1 (heme oxygenase 1; plus strand). Cytogenetic location: 22q12.3.
Variant type: single nucleotide variant.
Coding change: c.356A>G on transcript NM_002133.3 (MANE Select); coding-DNA position 356, A replaced by G.
Protein change: p.His119Arg; replaces histidine 119 with arginine.
Molecular consequence: missense variant.
Genome position (GRCh38, 1-based): chr22:35,386,896, A>G. VCF-style: chr22-35386896-A-G. GRCh37 (hg19) VCF-style: chr22-35782889-A-G.
Other names: short protein forms H119R.
Identifiers: ClinVar variation 1366664 (VCV001366664.8), dbSNP rs2145767037, ClinGen allele CA411352542.

ClinVar aggregate classification (germline): Uncertain significance (1 of 4 stars; one submission).

Submission:

Labcorp Genetics (formerly Invitae), Labcorp
Classification: Uncertain significance. Last evaluated: 2021-07-10. Review status: criteria provided, single submitter. Criteria: Invitae Variant Classification Sherloc (09022015). Collection method: clinical testing. Allele origin: germline.
Comment: This variant has not been reported in the literature in individuals affected with HMOX1-related conditions. This sequence change replaces histidine with arginine at codon 119 of the HMOX1 protein (p.His119Arg). The histidine residue is moderately conserved and there is a small physicochemical difference between histidine and arginine. This variant is not present in population databases (ExAC no frequency). Algorithms developed to predict the effect of missense changes on protein structure and function output the following: SIFT: "Tolerated"; PolyPhen-2: "Benign"; Align-GVGD: "Class C0". The arginine amino acid residue is found in multiple mammalian species, which suggests that this missense change does not adversely affect protein function. In summary, the available evidence is currently insufficient to determine the role of this variant in disease. Therefore, it has been classified as a Variant of Uncertain Significance.